The following is an entry in ClinVar:

NM_006767.4(LZTR1):c.2186dup (p.Tyr729Ter)

Gene: LZTR1 (leucine zipper like post translational regulator 1; plus strand). Cytogenetic location: 22q11.21.
Variant type: Duplication.
Coding change: c.2186dup on transcript NM_006767.4 (MANE Select); coding-DNA position 2186, one base duplicated (A; older notation c.2186dupA).
Protein change: p.Tyr729Ter; replaces tyrosine 729 with a stop codon.
Molecular consequence: nonsense.
Genome position (GRCh38, 1-based): chr22:20,996,079, A duplicated. VCF-style (leftmost placement, unchanged base first): chr22-20996078-T-TA. GRCh37 (hg19) VCF-style: chr22-21350367-T-TA.
Other names: short protein forms Y729*.
Identifiers: ClinVar variation 1787337 (VCV001787337.6), dbSNP rs776223531, ClinGen allele CA10119267.

ClinVar aggregate classification (germline): Pathogenic. Review status: criteria provided, multiple submitters, no conflicts (2 of 4 stars). 2 submissions from 2 submitters: Pathogenic (2). Last evaluated 2025-09-29.

Conditions:
Hereditary cancer-predisposing syndrome. Also called: Neoplastic Syndromes, Hereditary; Tumor predisposition; Hereditary Cancer Syndrome; Hereditary neoplastic syndrome. Identifiers: Orphanet 140162, MedGen C0027672, MeSH D009386, MONDO:0015356.
Cardiovascular phenotype. Identifiers: MedGen CN230736.

Allele frequency attached by ClinVar (database versions not stated): gnomAD exomes below 0.00001; TOPMed below 0.00001; ExAC 0.00001.

Submissions (2):

Labcorp Genetics (formerly Invitae), Labcorp
Classification: Pathogenic. Last evaluated: 2025-09-29. Review status: criteria provided, single submitter. Criteria: Invitae Variant Classification Sherloc (09022015). Collection method: clinical testing. Allele origin: germline.
Comment: This sequence change creates a premature translational stop signal (p.Tyr729*) in the LZTR1 gene. It is expected to result in an absent or disrupted protein product. Loss-of-function variants in LZTR1 are known to be pathogenic (PMID: 24362817, 25335493, 25480913, 25795793, 29469822, 30368668, 30442762, 30442766, 30481304, 30859559). This variant is present in population databases (rs776223531, gnomAD 0.006%). This variant has not been reported in the literature in individuals affected with LZTR1-related conditions. ClinVar contains an entry for this variant (Variation ID: 1787337). For these reasons, this variant has been classified as Pathogenic.

Ambry Genetics
Classification: Pathogenic for Cardiovascular phenotype; Hereditary cancer-predisposing syndrome. Last evaluated: 2025-03-24. Review status: criteria provided, single submitter. Criteria: Ambry Variant Classification Scheme 2023. Collection method: clinical testing. Allele origin: germline.
Comment: The c.2186dupA pathogenic mutation, located in coding exon 18 of the LZTR1 gene, results from a duplication of A at nucleotide position 2186, causing a translational frameshift with a predicted alternate stop codon (p.Y729*). This alteration is expected to result in loss of function by premature protein truncation or nonsense-mediated mRNA decay. Loss-of-function variants in LZTR1 are related to an increased risk for schwannomas and autosomal recessive Noonan syndrome; however, such associations with autosomal dominant Noonan syndrome have not been observed (Piotrowski A et al. Nat Genet. 2014 Feb;46:182-7; Yamamoto GL et al. J Med Genet. 2015 Jun;52:413-21; Johnston JJ et al. Genet Med. 2018 10;20:1175-1185). Based on the supporting evidence, this variant is pathogenic for an increased risk of LZTR1-related schwannomatosis (SWN) and would be expected to cause autosomal recessive Noonan syndrome when present along with a second pathogenic or likely pathogenic variant on the other allele; however, the association of this alteration with autosomal dominant Noonan syndrome is unlikely.

Literature cited by the submitters: PubMed 24362817 (cited by Labcorp Genetics (formerly Invitae), Labcorp); PubMed 25335493 (cited by Labcorp Genetics (formerly Invitae), Labcorp); PubMed 25480913 (cited by Labcorp Genetics (formerly Invitae), Labcorp); PubMed 25795793 (cited by Labcorp Genetics (formerly Invitae), Labcorp); PubMed 29469822 (cited by Labcorp Genetics (formerly Invitae), Labcorp); PubMed 30368668 (cited by Labcorp Genetics (formerly Invitae), Labcorp); PubMed 30442762 (cited by Labcorp Genetics (formerly Invitae), Labcorp); PubMed 30442766 (cited by Labcorp Genetics (formerly Invitae), Labcorp); PubMed 30481304 (cited by Labcorp Genetics (formerly Invitae), Labcorp); PubMed 30859559 (cited by Labcorp Genetics (formerly Invitae), Labcorp).